The following is an entry in ClinVar:

NM_000051.4(ATM):c.7307G>A (p.Arg2436Lys)

Genes: C11orf65 (chromosome 11 open reading frame 65; minus strand), ATM (ATM serine/threonine kinase; plus strand). Cytogenetic location: 11q22.3.
Variant type: single nucleotide variant.
Coding change: c.7307G>A on transcript NM_000051.4 (MANE Select); coding-DNA position 7307, G replaced by A.
Protein change: p.Arg2436Lys; replaces arginine 2436 with lysine.
Molecular consequence: missense variant. On other transcripts: intron variant (2).
Genome position (GRCh38, 1-based): chr11:108,329,238, G>A. VCF-style: chr11-108329238-G-A. GRCh37 (hg19) VCF-style: chr11-108199965-G-A.
Other names: c.*38+5982C>T (NM_001351110.2); c.7307G>A, p.Arg2436Lys (NM_001351834.2); c.641-20167C>T (NM_001330368.2); short protein forms R2436K.
Identifiers: ClinVar variation 187003 (VCV000187003.24), dbSNP rs786203394, ClinGen allele CA196452.

ClinVar aggregate classification (germline): Conflicting classifications of pathogenicity. Review status: criteria provided, conflicting classifications (1 of 4 stars). 10 submissions from 9 submitters: Pathogenic (2); Likely pathogenic (4); Uncertain significance (3). 1 of the submissions does not count toward it. Last evaluated 2025-11-05.

Conditions:
ATM-related disorder. Also called: ATM-related disorders; ATM-related condition.
Hereditary cancer-predisposing syndrome. Also called: Hereditary Cancer Syndrome; Tumor predisposition; Neoplastic Syndromes, Hereditary; Hereditary neoplastic syndrome. Identifiers: Orphanet 140162, MedGen C0027672, MeSH D009386, MONDO:0015356.
Familial cancer of breast. Also called: hereditary breast carcinoma; BREAST CANCER, FAMILIAL; Hereditary breast cancer. Identifiers: Orphanet 227535, MedGen C0346153, MONDO:0016419, OMIM 114480. Disease mechanism: loss of function.
Ataxia-telangiectasia syndrome (AT). Also called: ATAXIA-TELANGIECTASIA, COMPLEMENTATION GROUP A; ATAXIA-TELANGIECTASIA, FRESNO VARIANT; Ataxia-telangiectasia; Ataxia-telangiectasia, complementation group E; Cerebello-oculocutaneous telangiectasia; Immunodeficiency with ataxia telangiectasia. Identifiers: Orphanet 100, MedGen C0004135, MONDO:0008840, OMIM 208900.

Allele frequency attached by ClinVar (database versions not stated): gnomAD exomes below 0.00001.
gnomAD v4.1: 3 of 1,610,126 alleles (0.00019%); highest among the groups gnomAD compares: South Asian, 0.0033%; no homozygotes.

Submissions (10):

Labcorp Genetics (formerly Invitae), Labcorp
Classification: Pathogenic for Ataxia-telangiectasia syndrome. Last evaluated: 2025-11-05. Review status: criteria provided, single submitter. Criteria: Invitae Variant Classification Sherloc (09022015). Collection method: clinical testing. Allele origin: germline.
Comment: This sequence change replaces arginine, which is basic and polar, with lysine, which is basic and polar, at codon 2436 of the ATM protein (p.Arg2436Lys). RNA analysis indicates that this missense change induces altered splicing and may result in an absent or altered protein product. This variant is present in population databases (rs786203394, gnomAD 0.003%). This missense change has been observed in individuals with ataxia-telangiectasia (PMID: 35260754). ClinVar contains an entry for this variant (Variation ID: 187003). An algorithm developed to predict the effect of missense changes on protein structure and function (PolyPhen-2) suggests that this variant is likely to be disruptive. Variants that disrupt the consensus splice site are a relatively common cause of aberrant splicing (PMID: 17576681, 9536098). Studies have shown that this missense change results in activation of a cryptic splice site, and produces a non-functional protein and/or introduces a premature termination codon (internal data). For these reasons, this variant has been classified as Pathogenic.

Color Diagnostics, LLC DBA Color Health
Classification: Uncertain significance for Hereditary cancer-predisposing syndrome. Last evaluated: 2025-10-10. Review status: criteria provided, single submitter. Criteria: ACMG Guidelines, 2015. Collection method: clinical testing. Allele origin: germline.
Comment: This variant causes a G to A nucleotide substitution at the last nucleotide of exon 49 of the ATM gene and replaces arginine with lysine at codon 2436 of the ATM protein. Splice site prediction tools suggest that this variant may impact RNA splicing. This variant has been reported to impact RNA splicing by external laboratories, however, detailed data are not available for review (ClinVar Accession: SCV000217487.6, SCV000283045.6, SCV006298748.1). This variant has been reported in a cohort of individuals affected with ataxia-telangiectasia (PMID: 35260754). This variant has been identified in 1/248522 chromosomes in the general population by the Genome Aggregation Database (gnomAD). The available evidence is insufficient to determine the role of this variant in disease conclusively. Therefore, this variant is classified as a Variant of Uncertain Significance.

Myriad Genetics, Inc.
Classification: Likely pathogenic for Familial cancer of breast. Last evaluated: 2025-05-05. Review status: criteria provided, single submitter. Criteria: Myriad Autosomal Dominant, Autosomal Recessive and X-Linked Classification Criteria (2023). Collection method: clinical testing. Allele origin: unknown.
Comment: This variant is considered likely pathogenic. mRNA analysis has demonstrated abnormal mRNA splicing occurs [Myriad internal data]. This variant has been reported in multiple individuals with clinical features of gene-specific disease [PMID: 35260754].

Natera, Inc.
Classification: Likely pathogenic for Ataxia-telangiectasia. Last evaluated: 2024-11-25. Review status: criteria provided, single submitter. Criteria: Natera Variant Classification Schema (03/2026). Collection method: clinical testing. Allele origin: germline.
Comment: The c.7307G>A variant in ATM is a missense variant predicted to cause substitution of arginine to lysine at amino acid 2436. This variant is rare in the general population with a frequency below the threshold expected for the associated phenotype(s). This variant has been observed in one or more individuals affected with the associated recessive disease, as either homozygous or compound heterozygous with a second variant (PMID: 35260754). Computational prediction algorithms indicate this variant is likely to affect gene or protein function. Given the available evidence, this variant is classified as Likely Pathogenic.

GeneDx
Classification: Likely pathogenic. Last evaluated: 2024-03-13. Review status: criteria provided, single submitter. Criteria: GeneDx Variant Classification Process June 2021. Collection method: clinical testing. Allele origin: germline. Affected: yes.
Comment: Alters the last nucleotide of the exon and is predicted to destroy the splice donor site and result in aberrant splicing, although in the absence of functional evidence the actual effect of this sequence change is unknown; Not observed at significant frequency in large population cohorts (gnomAD); This variant is associated with the following publications: (PMID: 23532176, 35729272, 35260754)

Baylor Genetics
Classification: Likely pathogenic for Familial cancer of breast. Last evaluated: 2023-12-06. Review status: criteria provided, single submitter. Criteria: ACMG Guidelines, 2015. Collection method: clinical testing. Allele origin: unknown.

Ambry Genetics
Classification: Pathogenic for Hereditary cancer-predisposing syndrome. Last evaluated: 2021-12-07. Review status: criteria provided, single submitter. Criteria: Ambry Variant Classification Scheme 2023. Collection method: clinical testing. Allele origin: germline.
Comment: The c.7307G>A variant (also known as p.R2436K), located in coding exon 48 of the ATM gene, results from a G to A substitution at nucleotide position 7307. The amino acid change results in arginine to lysine at codon 2436, an amino acid with highly similar properties. However, this change occurs in the last base pair of coding exon 48, which makes it likely to have some effect on normal mRNA splicing. This nucleotide position is highly conserved in available vertebrate species. In silico splice site analysis predicts that this alteration will weaken the native splice donor site. Internal RNA studies have demonstrated that this alteration results in abnormal splicing in the set of samples tested (Ambry internal data). Another alteration impacting the same donor site, c.7307+1G>A, has been shown to have a similar impact on splicing and has been reported in an individual diagnosed with ataxia-telangiectasia (AT) (Birrell GW et al. Hum. Mutat., 2005 Jun;25:593). Based on the supporting evidence, this alteration is interpreted as a disease-causing mutation.

Neuberg Centre For Genomic Medicine, NCGM
Classification: Uncertain significance for Familial cancer of breast. Review status: criteria provided, single submitter. Criteria: ACMG Guidelines, 2015. Collection method: clinical testing. Allele origin: germline. Inheritance: Autosomal dominant inheritance. Affected: yes.
Comment: The missense variant c.7307G>A(p.Arg2436Lys) in ATM gene has been submitted to ClinVar as a Variant of Uncertain Significance and Likely Pathogenic with a phenotype of ataxia telangiectasia, but no details are available for independent assessment. It has not been reported in affected individuals. The p.Arg2436Lys variant has allele frequency 0.0004% in gnomAD exomes and is novel (not in any individuals) in 1000 Genomes. The amino acid Arg at position 2436 is changed to a Lys changing protein sequence and it might alter its composition and physico-chemical properties. The missense variant is present at the splice site and nucleotide substitutions within the consensus splice site are a relatively common cause of aberrant splicing (Buratti et al.).For these reasons, this variant has been classified as Uncertain Significance (VUS).

Neuberg Centre For Genomic Medicine, NCGM
Classification: Uncertain significance for Ataxia-telangiectasia syndrome. Review status: criteria provided, single submitter. Criteria: ACMG Guidelines, 2015. Collection method: clinical testing. Allele origin: germline. Inheritance: Autosomal recessive inheritance. Affected: yes.
Comment: The observed missense variant c.7307G>Ap.Arg2436Lys in the ATM gene has not been reported previously as a pathogenic variant nor as a benign variant, to our knowledge. This variant is reported with the allele frequency 0.0004% in the gnomAD Exomes. This variant has been reported to the ClinVar database as Pathogenic/Uncertain Significance. However, no details are available for independent assessment. The amino acid Arg at position 2436 is changed to a Lys changing protein sequence and it might alter its composition and physico- chemical properties. This change occurs in the last base pair of coding exon 49, which makes it likely to have some effect on normal mRNA splicing. In silico splice site analysis predicts that this alteration will weaken the native splice donor site. Another alteration impacting the same donor site, c.7307+1G>A, has been shown to have a similar impact on splicing and has been reported in an individual diagnosed with ataxia-telangiectasia Birrell GW, et al., 2005. Multiple lines of computational evidence Polyphen - Probably damaging and MutationTaster - Disease causing predict a damaging effect on protein structure and function for this variant. The variant is predicted to be damaging by SpliceAI prediction tool. The residue is conserved by GERP++ and PhyloP across 100 vertebrates. However the available evidence is currently insufficient to determine the role of this variant in disease. For these reasons, this variant has been classified as Uncertain Significance.

PreventionGenetics, part of Exact Sciences
Classification: Likely pathogenic for ATM-related condition. Last evaluated: 2024-09-17. Review status: no assertion criteria provided. Collection method: clinical testing. Allele origin: germline. Not counted in ClinVar's aggregate classification.
Comment: The ATM c.7307G>A variant is predicted to result in the amino acid substitution p.Arg2436Lys. This variant has been reported in the literature in two individuals with Ataxia Telangiectasia (Rawat et al. 2022. PubMed ID: 35260754). In addition, external RNA studies suggest this variant causes altered splicing and would result in a disrupted protein product. This variant is reported in 0.0033% of alleles in individuals of South Asian descent in gnomAD and has conflicting interpretations in ClinVar ranging from uncertain to likely pathogenic. Based on the available evidence this variant is interpreted as likely pathogenic.

Literature cited by the submitters: PubMed 35260754 (cited by 4 submitters); PubMed 17576681 (cited by Labcorp Genetics (formerly Invitae), Labcorp); PubMed 9536098 (cited by Labcorp Genetics (formerly Invitae), Labcorp).